The following is an entry in ClinVar:

ClinVar aggregate classification (germline): Uncertain significance (1 of 4 stars; one submission).

Conditions:
Intellectual developmental disorder, X-linked 99, syndromic, female-restricted. Also called: Intellectual disability, X-linked 99, syndromic, female-restricted. Identifiers: MedGen C4225416, MONDO:0010502, OMIM 300968.

Submission:

Broad Center for Mendelian Genomics, Broad Institute of MIT and Harvard
Classification: Uncertain significance for Intellectual developmental disorder, X-linked 99, syndromic, female-restricted. Last evaluated: 2023-05-02. Review status: criteria provided, single submitter. Criteria: ACMG Guidelines, 2015. Collection method: curation. Allele origin: germline. Inheritance: X-linked inheritance.
Comment: Trio exome analysis showed this variant to be de novo. The c.771-2A>G variant in USP9X has not been previously reported in individuals with female-restricted X-linked syndromic intellectual developmental disorder 99. This variant was absent from large population studies. This variant is located in the 3' splice region. Computational tools predict a splicing impact, though this information is not predictive enough to determine pathogenicity. Heterozygous loss of function of the USP9X gene is an established disease mechanism in female-restricted X-linked syndromic intellectual developmental disorder 99. In summary, while there is some suspicion for a pathogenic role, the clinical significance of this variant is uncertain. ACMG/AMP Criteria applied: PVS1_Moderate, PS2_Supporting, PM2_Supporting (Richards 2015).

NM_001039591.3(USP9X):c.771-2A>G

Gene: USP9X (ubiquitin specific peptidase 9 X-linked; plus strand). Cytogenetic location: Xp11.4.
Variant type: single nucleotide variant.
Coding change: c.771-2A>G on transcript NM_001039591.3 (MANE Select); the canonical splice acceptor site of the intron before coding-DNA position 771, A replaced by G.
Molecular consequence: splice acceptor variant.
Genome position (GRCh38, 1-based): chrX:41,140,964, A>G. VCF-style: chrX-41140964-A-G. GRCh37 (hg19) VCF-style: chrX-41000217-A-G.
Other names: NM_001039590.3:c.771-2A>G; c.771-2A>G (NM_001410748.1, NM_001410749.1, NM_001039590.3).
Identifiers: ClinVar variation 2500870 (VCV002500870.1), dbSNP rs2519131245, ClinGen allele CA412765877.